The following is an entry in ClinVar:

ClinVar aggregate classification (germline): Uncertain significance (1 of 4 stars; one submission).

Allele frequency attached by ClinVar (database versions not stated): gnomAD exomes below 0.00001; gnomAD 0.00001; TOPMed 0.00001.
gnomAD v4.1: 3 of 1,611,784 alleles (0.00019%); highest among the groups gnomAD compares: Admixed American, 0.0017%; no homozygotes.

Submission:

Labcorp Genetics (formerly Invitae), Labcorp
Classification: Uncertain significance. Last evaluated: 2022-07-18. Review status: criteria provided, single submitter. Criteria: Invitae Variant Classification Sherloc (09022015). Collection method: clinical testing. Allele origin: germline.
Comment: This sequence change replaces isoleucine, which is neutral and non-polar, with valine, which is neutral and non-polar, at codon 2201 of the CACNA1B protein (p.Ile2201Val). This variant is present in population databases (no rsID available, gnomAD 0.003%). This variant has not been reported in the literature in individuals affected with CACNA1B-related conditions. ClinVar contains an entry for this variant (Variation ID: 1438335). Advanced modeling of protein sequence and biophysical properties (such as structural, functional, and spatial information, amino acid conservation, physicochemical variation, residue mobility, and thermodynamic stability) performed at Invitae indicates that this missense variant is not expected to disrupt CACNA1B protein function. In summary, the available evidence is currently insufficient to determine the role of this variant in disease. Therefore, it has been classified as a Variant of Uncertain Significance.

NM_000718.4(CACNA1B):c.6601A>G (p.Ile2201Val)

Gene: CACNA1B (calcium voltage-gated channel subunit alpha1 B; plus strand). Cytogenetic location: 9q34.3.
Variant type: single nucleotide variant.
Coding change: c.6601A>G on transcript NM_000718.4 (MANE Select); coding-DNA position 6601, A replaced by G.
Protein change: p.Ile2201Val; replaces isoleucine 2201 with valine.
Molecular consequence: missense variant. On other transcripts: intron variant (1).
Genome position (GRCh38, 1-based): chr9:138,121,580, A>G. VCF-style: chr9-138121580-A-G. GRCh37 (hg19) VCF-style: chr9-141016032-A-G.
Other names: c.6490-76A>G (NM_001243812.2); short protein forms I2201V.
Identifiers: ClinVar variation 1438335 (VCV001438335.3), dbSNP rs903438217, ClinGen allele CA201873416.